The following is an entry in ClinVar:

ClinVar aggregate classification (germline): Benign. Review status: criteria provided, multiple submitters, no conflicts (2 of 4 stars). 10 submissions from 10 submitters: Benign (8). 2 of the submissions do not count toward it. Last evaluated 2026-02-04.

Conditions:
Charcot-Marie-Tooth disease. Also called: Charcot-Marie-Tooth Hereditary Neuropathy; Charcot-Marie-Tooth Neuropathy. Identifiers: Orphanet 166, MedGen C0007959, MONDO:0015626.
Charcot-Marie-Tooth disease type 4. Also called: Charcot-Marie-Tooth disease, type IV; Charcot-Marie-Tooth, Type 4. Identifiers: Orphanet 64749, MedGen C4082197, MONDO:0018995.
Charcot-Marie-Tooth disease type 4H (CMT4H). Also called: CHARCOT-MARIE-TOOTH DISEASE, DEMYELINATING, TYPE 4H; CHARCOT-MARIE-TOOTH DISEASE, AUTOSOMAL RECESSIVE, TYPE 4H; CHARCOT-MARIE-TOOTH DISEASE, DEMYELINATING, AUTOSOMAL RECESSIVE, TYPE 4H; CHARCOT-MARIE-TOOTH NEUROPATHY, TYPE 4H. Identifiers: Orphanet 99954, MedGen C1836336, MONDO:0012250, OMIM 609311.

Allele frequency attached by ClinVar (database versions not stated): 1000 Genomes Project 0.25160; 1000 Genomes Project 30x 0.25172; gnomAD 0.25239; TOPMed 0.26295; ESP Exome Variant Server 0.27226.
gnomAD v4.1: 459,970 of 1,587,558 alleles (29%); highest among the groups gnomAD compares: South Asian, 41%; 69,405 homozygotes.

Submissions (10):

Labcorp Genetics (formerly Invitae), Labcorp
Classification: Benign for Charcot-Marie-Tooth disease type 4. Last evaluated: 2026-02-04. Review status: criteria provided, single submitter. Criteria: Invitae Variant Classification Sherloc (09022015). Collection method: clinical testing. Allele origin: germline.

Genome-Nilou Lab
Classification: Benign for Charcot-Marie-Tooth disease type 4H. Last evaluated: 2021-08-10. Review status: criteria provided, single submitter. Criteria: ACMG Guidelines, 2015. Collection method: clinical testing. Allele origin: germline. Affected: no.

Illumina Laboratory Services, Illumina
Classification: Benign for Charcot-Marie-Tooth disease type 4H. Last evaluated: 2018-01-12. Review status: criteria provided, single submitter. Criteria: ICSL Variant Classification Criteria 13 December 2019. Collection method: clinical testing. Allele origin: germline.
Comment: This variant was observed in the ICSL laboratory as part of a predisposition screen in an ostensibly healthy population. It had not been previously curated by ICSL or reported in the Human Gene Mutation Database (HGMD: prior to June 1st, 2018), and was therefore a candidate for classification through an automated scoring system. Utilizing variant allele frequency, disease prevalence and penetrance estimates, and inheritance mode, an automated score was calculated to assess if this variant is too frequent to cause the disease. Based on the score and internal cut-off values, a variant classified as benign is not then subjected to further curation. The score for this variant resulted in a classification of benign for this disease.

Athena Diagnostics
Classification: Benign. Last evaluated: 2017-07-26. Review status: criteria provided, single submitter. Criteria: Athena Diagnostics Criteria. Collection method: clinical testing. Allele origin: germline.

Mayo Clinic Laboratories, Mayo Clinic
Classification: Benign. Last evaluated: 2015-08-26. Review status: criteria provided, single submitter. Criteria: ACMG Guidelines, 2015. Collection method: clinical testing. Allele origin: germline. Observed: 1,033 variant alleles.

GeneDx
Classification: Benign. Last evaluated: 2013-12-11. Review status: criteria provided, single submitter. Criteria: GeneDx Variant Classification (06012015). Collection method: clinical testing. Allele origin: germline. Affected: yes.
Comment: This variant is considered likely benign or benign based on one or more of the following criteria: it is a conservative change, it occurs at a poorly conserved position in the protein, it is predicted to be benign by multiple in silico algorithms, and/or has population frequency not consistent with disease.

Breakthrough Genomics
Classification: Benign. Review status: criteria provided, single submitter. Criteria: ACMG Guidelines, 2015. Collection method: not provided. Allele origin: germline. Inheritance: Autosomal recessive inheritance. Affected: yes.

Molecular Genetics Laboratory, London Health Sciences Centre
Classification: Benign for Charcot-Marie-Tooth disease. Review status: criteria provided, single submitter. Criteria: ACMG Guidelines, 2015. Collection method: clinical testing. Allele origin: germline. Affected: yes.

Clinical Genetics, Academic Medical Center
Classification: Benign. Review status: no assertion criteria provided. Collection method: clinical testing. Allele origin: germline. Affected: yes. Study: VKGL Data-share Consensus. Not counted in ClinVar's aggregate classification.

Diagnostic Laboratory, Department of Genetics, University Medical Center Groningen
Classification: Benign for Charcot-Marie-Tooth disease type 4H. Review status: no assertion criteria provided. Collection method: clinical testing. Allele origin: germline. Affected: yes. Study: VKGL Data-share Consensus. Not counted in ClinVar's aggregate classification.

NM_001370298.3(FGD4):c.1929G>A (p.Ala643=)

Gene: FGD4 (FYVE, RhoGEF and PH domain containing 4; plus strand). Cytogenetic location: 12p11.21.
Variant type: single nucleotide variant.
Coding change: c.1929G>A on transcript NM_001370298.3 (MANE Select); coding-DNA position 1929, G replaced by A.
Protein change: p.Ala643=; no amino-acid change (alanine 643 retained).
Molecular consequence: synonymous variant.
Genome position (GRCh38, 1-based): chr12:32,624,428, G>A. VCF-style: chr12-32624428-G-A. GRCh37 (hg19) VCF-style: chr12-32777362-G-A.
Other names: p.A506A:GCG>GCA; p.Ala506=; c.1773G>A, p.Ala591= (NM_001304481.2); c.774G>A, p.Ala258= (NM_001304483.2); c.486G>A, p.Ala162= (NM_001304484.2); c.1239G>A, p.Ala413= (NM_001330373.2, NM_001330374.2, NM_001384130.1); c.966G>A, p.Ala322= (NM_001370297.1); c.1929G>A, p.Ala643= (NM_001384126.1); and 1 more.
Identifiers: ClinVar variation 137369 (VCV000137369.21), dbSNP rs11052110, ClinGen allele CA290928.